The following is an entry in ClinVar:

NM_001035.3(RYR2):c.2935G>A (p.Ala979Thr)

Gene: RYR2 (ryanodine receptor 2; plus strand). Cytogenetic location: 1q43.
Variant type: single nucleotide variant.
Coding change: c.2935G>A on transcript NM_001035.3 (MANE Select); coding-DNA position 2935, G replaced by A.
Protein change: p.Ala979Thr; replaces alanine 979 with threonine.
Molecular consequence: missense variant.
Genome position (GRCh38, 1-based): chr1:237,548,459, G>A. VCF-style: chr1-237548459-G-A. GRCh37 (hg19) VCF-style: chr1-237711759-G-A.
Other names: short protein forms A979T.
Identifiers: ClinVar variation 3791624 (VCV003791624.1).
Genomic context (GRCh38, chr1:237,548,459, plus strand): 5'-TATACACAAATTTCTTTGTCTCTGATTTGTAGTTACCAGCTGACAAGTGGATACAAGCCT[G>A]CCCCTATGGACCTGAGCTTTATCAAACTCACCCCATCACAAGAAGCAATGGTGGACAAGT-3'
Protein context (NP_001026.2, residues 969-989): NYQLTSGYKP[Ala979Thr]PMDLSFIKLT

ClinVar aggregate classification (germline): Uncertain significance (1 of 4 stars; one submission).

Conditions:
Cardiovascular phenotype. Identifiers: MedGen CN230736.

Submission:

Ambry Genetics
Classification: Uncertain significance for Cardiovascular phenotype. Last evaluated: 2025-02-19. Review status: criteria provided, single submitter. Criteria: Ambry Variant Classification Scheme 2023. Collection method: clinical testing. Allele origin: germline.
Comment: The p.A979T variant (also known as c.2935G>A), located in coding exon 26 of the RYR2 gene, results from a G to A substitution at nucleotide position 2935. The alanine at codon 979 is replaced by threonine, an amino acid with similar properties. This amino acid position is highly conserved in available vertebrate species. In addition, the in silico prediction for this alteration is inconclusive. Based on the available evidence, the clinical significance of this variant remains unclear.